The following is an entry in ClinVar:

ClinVar aggregate classification (germline): Uncertain significance (1 of 4 stars; one submission).

Allele frequency attached by ClinVar (database versions not stated): gnomAD exomes below 0.00001; TOPMed below 0.00001.

Submission:

Labcorp Genetics (formerly Invitae), Labcorp
Classification: Uncertain significance. Last evaluated: 2021-12-17. Review status: criteria provided, single submitter. Criteria: Invitae Variant Classification Sherloc (09022015). Collection method: clinical testing. Allele origin: germline.
Comment: This sequence change replaces phenylalanine, which is neutral and non-polar, with leucine, which is neutral and non-polar, at codon 67 of the KRT10 protein (p.Phe67Leu). This variant is present in population databases (no rsID available, gnomAD 0.003%). This variant has not been reported in the literature in individuals affected with KRT10-related conditions. Advanced modeling of protein sequence and biophysical properties (such as structural, functional, and spatial information, amino acid conservation, physicochemical variation, residue mobility, and thermodynamic stability) performed at Invitae indicates that this missense variant is not expected to disrupt KRT10 protein function. Algorithms developed to predict the effect of sequence changes on RNA splicing suggest that this variant may create or strengthen a splice site. In summary, the available evidence is currently insufficient to determine the role of this variant in disease. Therefore, it has been classified as a Variant of Uncertain Significance.

NM_000421.5(KRT10):c.201T>A (p.Phe67Leu)

Genes: KRT10 (keratin 10; minus strand), KRT10-AS1 (KRT10 antisense RNA 1; plus strand). Cytogenetic location: 17q21.2.
Variant type: single nucleotide variant.
Coding change: c.201T>A on transcript NM_000421.5 (MANE Select); coding-DNA position 201, T replaced by A.
Protein change: p.Phe67Leu; replaces phenylalanine 67 with leucine.
Molecular consequence: missense variant.
Genome position (GRCh38, 1-based): chr17:40,822,385, A>T on the plus strand (T>A on the coding strand, the complement: KRT10 is on the minus strand). VCF-style: chr17-40822385-A-T. GRCh37 (hg19) VCF-style: chr17-38978637-A-T.
Other names: c.201T>A, p.Phe67Leu (NM_001379366.1); short protein forms F67L.
Identifiers: ClinVar variation 1965147 (VCV001965147.5), dbSNP rs1277986520, ClinGen allele CA399396301.